The following is an entry in ClinVar:

ClinVar aggregate classification (germline): Pathogenic (1 of 4 stars; one submission).

Conditions:
Gorlin syndrome. Also called: Nevoid Basal Cell Carcinoma Syndrome; Basal cell nevus syndrome. Identifiers: Orphanet 377, MedGen C0004779, MONDO:0007187.

Submission:

Labcorp Genetics (formerly Invitae), Labcorp
Classification: Pathogenic for Gorlin syndrome. Last evaluated: 2021-03-18. Review status: criteria provided, single submitter. Criteria: Invitae Variant Classification Sherloc (09022015). Collection method: clinical testing. Allele origin: germline.
Comment: This variant is not present in population databases (ExAC no frequency). This sequence change creates a premature translational stop signal (p.Lys809Serfs*24) in the PTCH1 gene. It is expected to result in an absent or disrupted protein product. Loss-of-function variants in PTCH1 are known to be pathogenic (PMID: 16301862, 16419085). This variant has not been reported in the literature in individuals with PTCH1-related conditions. For these reasons, this variant has been classified as Pathogenic.

Literature cited by the submitters: PubMed 16301862; PubMed 16419085.

NM_000264.5(PTCH1):c.2417_2424dup (p.Lys809fs)

Genes: PTCH1 (patched 1; minus strand), LOC100507346 (uncharacterized LOC100507346; plus strand). Cytogenetic location: 9q22.32.
Variant type: Duplication.
Coding change: c.2417_2424dup on transcript NM_000264.5 (MANE Select); coding-DNA positions 2417 to 2424, 8 bases duplicated (TCACCCAG; older notation c.2417_2424dupTCACCCAG).
Protein change: p.Lys809fs; shifts the reading frame from lysine 809.
Molecular consequence: frameshift variant.
Genome position (GRCh38, 1-based): chr9:95,467,252-95,467,259, CTGGGTGA duplicated on the plus strand (TCACCCAG on the coding strand, the reverse complement: PTCH1 is on the minus strand); duplicating any 8 consecutive bases within chr9:95,467,252-95,467,261 gives the same sequence; the c. name uses the placement nearest the transcript's 3' end. VCF-style (leftmost placement, unchanged base first): chr9-95467251-T-TCTGGGTGA. GRCh37 (hg19) VCF-style: chr9-98229533-T-TCTGGGTGA.
Other names: c.2219_2226dup, p.Lys743fs (NM_001083602.3); c.2414_2421dup, p.Lys808fs (NM_001083603.3); c.1964_1971dup, p.Lys658fs (NM_001083604.3, NM_001083605.3, NM_001083606.3 and 1 more transcripts); c.2261_2268dup, p.Lys757fs (NM_001354918.2); short protein forms K808fs, K658fs, K757fs, K809fs, K743fs.
Identifiers: ClinVar variation 1407197 (VCV001407197.6), dbSNP rs2117960287, ClinGen allele CA2573144871.